The following is an entry in ClinVar:

NM_001089.3(ABCA3):c.4522dup (p.Ala1508fs)

Gene: ABCA3 (ATP binding cassette subfamily A member 3; minus strand). Cytogenetic location: 16p13.3.
Variant type: Duplication.
Coding change: c.4522dup on transcript NM_001089.3 (MANE Select); coding-DNA position 4522, one base duplicated (G; older notation c.4522dupG).
Protein change: p.Ala1508fs; shifts the reading frame from alanine 1508.
Molecular consequence: frameshift variant.
Genome position (GRCh38, 1-based): chr16:2,278,968, C duplicated on the plus strand (G on the coding strand, the reverse complement: ABCA3 is on the minus strand). VCF-style (leftmost placement, unchanged base first): chr16-2278967-G-GC. GRCh37 (hg19) VCF-style: chr16-2328968-G-GC.
Other names: short protein forms A1508fs.
Identifiers: ClinVar variation 5015689 (VCV005015689.1).

ClinVar aggregate classification (germline): Pathogenic (1 of 4 stars; one submission).

Conditions:
Interstitial lung disease due to ABCA3 deficiency. Also called: PULMONARY ALVEOLAR PROTEINOSIS, CONGENITAL, 3. Identifiers: Orphanet 440402, MedGen C1970456, MONDO:0012582, OMIM 610921.

Submission:

Myriad Genetics, Inc.
Classification: Pathogenic for Interstitial lung disease due to ABCA3 deficiency. Last evaluated: 2026-03-18. Review status: criteria provided, single submitter. Criteria: Myriad Autosomal Dominant, Autosomal Recessive and X-Linked Classification Criteria (2023). Collection method: clinical testing. Allele origin: unknown.
Comment: NM_001089.2(ABCA3):c.4522dupG(A1508Gfs*12) is expected to be pathogenic in the context of surfactant deficiency, ABCA3-related. This variant is predicted to lead to an abnormal or absent protein product due to the creation of a premature termination codon in ABCA3, a gene where loss-of-function variants are known to be pathogenic. Please note: this variant was assessed in the context of healthy population screening.